The following is an entry in ClinVar:

NM_020762.4(SRGAP1):c.799G>T (p.Asp267Tyr)

Gene: SRGAP1 (SLIT-ROBO Rho GTPase activating protein 1; plus strand). Cytogenetic location: 12q14.2.
Variant type: single nucleotide variant.
Coding change: c.799G>T on transcript NM_020762.4 (MANE Select); coding-DNA position 799, G replaced by T.
Protein change: p.Asp267Tyr; replaces aspartic acid 267 with tyrosine.
Molecular consequence: missense variant.
Genome position (GRCh38, 1-based): chr12:64,043,573, G>T. VCF-style: chr12-64043573-G-T. GRCh37 (hg19) VCF-style: chr12-64437353-G-T.
Other names: c.799G>T, p.Asp267Tyr (NM_001346201.2); short protein forms D267Y.
Identifiers: ClinVar variation 3345698 (VCV003345698.1).

ClinVar aggregate classification (germline): Uncertain significance (0 of 4 stars; one submission).

Conditions:
SRGAP1-related disorder. Also called: SRGAP1-related condition.

gnomAD v4.1: 2 of 1,597,412 alleles (0.00013%); highest among the groups gnomAD compares: Non-Finnish European, 0.00017%; no homozygotes.

Submission:

PreventionGenetics, part of Exact Sciences
Classification: Uncertain significance for SRGAP1-related condition. Last evaluated: 2024-04-28. Review status: no assertion criteria provided. Collection method: clinical testing. Allele origin: germline.
Comment: The SRGAP1 c.799G>T variant is predicted to result in the amino acid substitution p.Asp267Tyr. To our knowledge, this variant has not been reported in the literature or in a large population database, indicating this variant is rare. At this time, the clinical significance of this variant is uncertain due to the absence of conclusive functional and genetic evidence.